The following is an entry in ClinVar:

ClinVar aggregate classification (germline): Likely benign (0 of 4 stars; one submission).

Conditions:
EP300-related disorder. Also called: EP300-related disorders; EP300-related condition.

gnomAD v4.1: 11 of 1,613,824 alleles (0.00068%); highest among the groups gnomAD compares: Non-Finnish European, 0.00093%; no homozygotes.

Submission:

PreventionGenetics, part of Exact Sciences
Classification: Likely benign for EP300-related condition. Last evaluated: 2022-05-05. Review status: no assertion criteria provided. Collection method: clinical testing. Allele origin: germline.
Comment: This variant is classified as likely benign based on ACMG/AMP sequence variant interpretation guidelines (Richards et al. 2015 PMID: 25741868, with internal and published modifications).

NM_001429.4(EP300):c.6009C>T (p.Pro2003=)

Gene: EP300 (E1A binding protein p300; plus strand). Cytogenetic location: 22q13.2.
Variant type: single nucleotide variant.
Coding change: c.6009C>T on transcript NM_001429.4 (MANE Select); coding-DNA position 6009, C replaced by T.
Protein change: p.Pro2003=; no amino-acid change (proline 2003 retained).
Molecular consequence: synonymous variant.
Genome position (GRCh38, 1-based): chr22:41,177,720, C>T. VCF-style: chr22-41177720-C-T. GRCh37 (hg19) VCF-style: chr22-41573724-C-T.
Other names: c.5931C>T, p.Pro1977= (NM_001362843.2).
Identifiers: ClinVar variation 3353494 (VCV003353494.1).